The following is an entry in ClinVar:

ClinVar aggregate classification (germline): Uncertain significance (1 of 4 stars; one submission).

Conditions:
Costello syndrome (CSTLO). Also called: FCS SYNDROME; FACIOCUTANEOSKELETAL SYNDROME; HRAS-Related Costello Syndrome. Identifiers: Orphanet 3071, MedGen C0587248, MONDO:0009026, OMIM 218040.

Allele frequency attached by ClinVar (database versions not stated): gnomAD exomes below 0.00001.
gnomAD v4.1: 1 of 1,613,050 alleles (0.000062%); highest among the groups gnomAD compares: Non-Finnish European, 0.000085%; no homozygotes.

Submission:

Labcorp Genetics (formerly Invitae), Labcorp
Classification: Uncertain significance for Costello syndrome. Last evaluated: 2022-09-08. Review status: criteria provided, single submitter. Criteria: Invitae Variant Classification Sherloc (09022015). Collection method: clinical testing. Allele origin: germline.
Comment: In summary, the available evidence is currently insufficient to determine the role of this variant in disease. Therefore, it has been classified as a Variant of Uncertain Significance. Advanced modeling of protein sequence and biophysical properties (such as structural, functional, and spatial information, amino acid conservation, physicochemical variation, residue mobility, and thermodynamic stability) performed at Invitae indicates that this missense variant is expected to disrupt HRAS protein function. ClinVar contains an entry for this variant (Variation ID: 1347756). This variant has not been reported in the literature in individuals affected with HRAS-related conditions. This variant is not present in population databases (gnomAD no frequency). This sequence change replaces leucine, which is neutral and non-polar, with serine, which is neutral and polar, at codon 159 of the HRAS protein (p.Leu159Ser).

NM_005343.4(HRAS):c.476T>C (p.Leu159Ser)

Genes: HRAS (HRas proto-oncogene, GTPase; minus strand), LRRC56 (leucine rich repeat containing 56; plus strand). Cytogenetic location: 11p15.5.
Variant type: single nucleotide variant.
Coding change: c.476T>C on transcript NM_005343.4 (MANE Select); coding-DNA position 476, T replaced by C.
Protein change: p.Leu159Ser; replaces leucine 159 with serine.
Molecular consequence: missense variant. On other transcripts: 3 prime UTR variant (1).
Genome position (GRCh38, 1-based): chr11:532,730, A>G on the plus strand (T>C on the coding strand, the complement: HRAS is on the minus strand). VCF-style: chr11-532730-A-G. GRCh37 (hg19) VCF-style: chr11-532730-A-G.
Other names: c.476T>C, p.Leu159Ser (NM_001130442.3); c.239T>C, p.Leu80Ser (NM_001318054.2); c.*45T>C (NM_176795.5); short protein forms L159S, L80S.
Identifiers: ClinVar variation 1347756 (VCV001347756.8), dbSNP rs2133982455, ClinGen allele CA378921182.